The following is an entry in ClinVar:

ClinVar aggregate classification (germline): Uncertain significance (1 of 4 stars; one submission).

Submission:

Labcorp Genetics (formerly Invitae), Labcorp
Classification: Uncertain significance. Last evaluated: 2024-05-06. Review status: criteria provided, single submitter. Criteria: Invitae Variant Classification Sherloc (09022015). Collection method: clinical testing. Allele origin: germline.
Comment: This sequence change replaces glutamic acid, which is acidic and polar, with glycine, which is neutral and non-polar, at codon 155 of the ACVR1 protein (p.Glu155Gly). This variant is not present in population databases (gnomAD no frequency). This variant has not been reported in the literature in individuals affected with ACVR1-related conditions. An algorithm developed to predict the effect of missense changes on protein structure and function (PolyPhen-2) suggests that this variant is likely to be tolerated. In summary, the available evidence is currently insufficient to determine the role of this variant in disease. Therefore, it has been classified as a Variant of Uncertain Significance.

NM_001111067.4(ACVR1):c.464A>G (p.Glu155Gly)

Gene: ACVR1 (activin A receptor type 1; minus strand). Cytogenetic location: 2q24.1.
Variant type: single nucleotide variant.
Coding change: c.464A>G on transcript NM_001111067.4 (MANE Select); coding-DNA position 464, A replaced by G.
Protein change: p.Glu155Gly; replaces glutamic acid 155 with glycine.
Molecular consequence: missense variant.
Genome position (GRCh38, 1-based): chr2:157,778,210, T>C on the plus strand (A>G on the coding strand, the complement: ACVR1 is on the minus strand). VCF-style: chr2-157778210-T-C. GRCh37 (hg19) VCF-style: chr2-158634722-T-C.
Other names: c.464A>G, p.Glu155Gly (NM_001105.5, NM_001347663.1, NM_001347664.1 and 3 more transcripts); short protein forms E155G.
Identifiers: ClinVar variation 3689282 (VCV003689282.2).